The following is an entry in ClinVar:

NM_001145026.2(PTPRQ):c.3125A>G (p.Asp1042Gly)

Gene: PTPRQ (protein tyrosine phosphatase receptor type Q; plus strand). Cytogenetic location: 12q21.31.
Variant type: single nucleotide variant.
Coding change: c.3125A>G on transcript NM_001145026.2 (MANE Select); coding-DNA position 3125, A replaced by G.
Protein change: p.Asp1042Gly; replaces aspartic acid 1042 with glycine.
Molecular consequence: missense variant.
Genome position (GRCh38, 1-based): chr12:80,539,915, A>G. VCF-style: chr12-80539915-A-G. GRCh37 (hg19) VCF-style: chr12-80933694-A-G.
Other names: short protein forms D1042G.
Identifiers: ClinVar variation 4979548 (VCV004979548.1), dbSNP rs190166486.

ClinVar aggregate classification (germline): Uncertain significance (1 of 4 stars; one submission).

Conditions:
PTPRQ-related disorder. Also called: PTPRQ-related condition.

gnomAD v4.1: 91 of 1,548,804 alleles (0.0059%); highest among the groups gnomAD compares: East Asian, 0.2%; no homozygotes.

Submission:

PreventionGenetics, part of Exact Sciences
Classification: Uncertain significance for PTPRQ-related condition. Last evaluated: 2025-09-12. Review status: criteria provided, single submitter. Criteria: ACMG Guidelines, 2015. Collection method: clinical testing. Allele origin: germline.
Comment: The PTPRQ c.3125A>G variant is predicted to result in the amino acid substitution p.Asp1042Gly. This variant was reported in compound heterozygous state in two siblings with congenital sensorineural hearing loss (Gao et al. 2015. PubMed ID: 25919374). This variant is reported in 0.22% of alleles in individuals of East Asian descent in gnomAD. At this time, the clinical significance of this variant is uncertain due to the absence of conclusive functional and genetic evidence.